The following is an entry in ClinVar:

ClinVar aggregate classification (germline): Uncertain significance (1 of 4 stars; one submission).

Submission:

Women's Health and Genetics/Laboratory Corporation of America, LabCorp
Classification: Uncertain significance. Last evaluated: 2022-05-27. Review status: criteria provided, single submitter. Criteria: LabCorp Variant Classification Summary - May 2015. Collection method: clinical testing. Allele origin: germline.
Comment: Variant summary: FANCE c.71_72insGGG (p.Ala24_Pro25insGly) results in an in-frame insertion that is predicted to insert 1 amino acid into the encoded protein. The variant was absent in 31046 control chromosomes (gnomAD). The available data on variant occurrences in the general population are insufficient to allow any conclusion about variant significance. To our knowledge, no occurrence of c.71_72insGGG in individuals affected with Fanconi Anemia and no experimental evidence demonstrating its impact on protein function have been reported. No clinical diagnostic laboratories have submitted clinical-significance assessments for this variant to ClinVar after 2014. Based on the evidence outlined above, the variant was classified as uncertain significance.

NM_021922.3(FANCE):c.71_72insGGG (p.Ala24_Pro25insGly)

Genes: FANCE (FA complementation group E; plus strand), LOC129996245 (ATAC-STARR-seq lymphoblastoid silent region 17092; plus strand). Cytogenetic location: 6p21.31.
Variant type: Insertion.
Coding change: c.71_72insGGG on transcript NM_021922.3 (MANE Select); coding-DNA positions 71 to 72, GGG inserted.
Protein change: p.Ala24_Pro25insGly.
Molecular consequence: inframe insertion.
Genome position: GRCh38 VCF-style: chr6-35452616-C-CGGG. GRCh37 (hg19) VCF-style: chr6-35420393-C-CGGG.
Identifiers: ClinVar variation 1696376 (VCV001696376.1), dbSNP rs2150885556, ClinGen allele CA2580074420.
Genomic context (GRCh38, chr6:35,452,616, plus strand): 5'-CGGACGCGGGGCTCCCTGGGGCTGAGGGCGTGGAGCCGGCGCCCTGGGCGCAGCTGGAGG[C>CGGG]CCCCGCCCGCCTCCTGCTGCAGGCGCTGCAGGCGGGGCCTGAGGGGGCGCGGCGCGGCCT-3'